The following is an entry in ClinVar:

ClinVar aggregate classification (germline): Uncertain significance (1 of 4 stars; one submission).

Conditions:
DLG5-related disorder. Also called: DLG5-related condition.

Submission:

PreventionGenetics, part of Exact Sciences
Classification: Uncertain significance for DLG5-related condition. Last evaluated: 2023-06-12. Review status: criteria provided, single submitter. Criteria: ACMG Guidelines, 2015. Collection method: clinical testing. Allele origin: germline.
Comment: The DLG5 c.2981G>A variant is predicted to result in the amino acid substitution p.Gly994Asp. To our knowledge, this variant has not been reported in the literature or in a large population database, indicating this variant is rare. At this time, the clinical significance of this variant is uncertain due to the absence of conclusive functional and genetic evidence.

NM_004747.4(DLG5):c.2981G>A (p.Gly994Asp)

Gene: DLG5 (discs large MAGUK scaffold protein 5; minus strand). Cytogenetic location: 10q22.3.
Variant type: single nucleotide variant.
Coding change: c.2981G>A on transcript NM_004747.4 (MANE Select); coding-DNA position 2981, G replaced by A.
Protein change: p.Gly994Asp; replaces glycine 994 with aspartic acid.
Molecular consequence: missense variant.
Genome position (GRCh38, 1-based): chr10:77,821,503, C>T on the plus strand (G>A on the coding strand, the complement: DLG5 is on the minus strand). VCF-style: chr10-77821503-C-T. GRCh37 (hg19) VCF-style: chr10-79581261-C-T.
Other names: short protein forms G994D.
Identifiers: ClinVar variation 2633473 (VCV002633473.1), dbSNP rs2492095284, ClinGen allele CA377322101.